The following is an entry in ClinVar:

NM_000310.4(PPT1):c.38C>G (p.Ala13Gly)

Gene: PPT1 (palmitoyl-protein thioesterase 1; minus strand). Cytogenetic location: 1p34.2.
Variant type: single nucleotide variant.
Coding change: c.38C>G on transcript NM_000310.4 (MANE Select); coding-DNA position 38, C replaced by G.
Protein change: p.Ala13Gly; replaces alanine 13 with glycine.
Molecular consequence: missense variant.
Genome position (GRCh38, 1-based): chr1:40,097,201, G>C on the plus strand (C>G on the coding strand, the complement: PPT1 is on the minus strand). VCF-style: chr1-40097201-G-C. GRCh37 (hg19) VCF-style: chr1-40562873-G-C.
Other names: c.38C>G, p.Ala13Gly (NM_001142604.2, NM_001363695.2); short protein forms A13G.
Identifiers: ClinVar variation 297248 (VCV000297248.8), dbSNP rs1057515557, ClinGen allele CA10610995.
Genomic context (GRCh38, chr1:40,097,201, plus strand): 5'-AGCGGCGCCGGCGGGTCCAGATGCTGCAGCGCCCGAGAAGCGCAGGTCCATGGCAGGAGA[G>C]CCACAGCCAAGAGCCACAGGCAGCCGGGCGACGCCATCTTCGCTGTGTCACATGACCGCG-3'
Protein context (NP_000301.1, residues 3-23): SPGCLWLLAV[Ala13Gly]LLPWTCASRA

ClinVar aggregate classification (germline): Uncertain significance. Review status: criteria provided, multiple submitters, no conflicts (2 of 4 stars). 2 submissions from 2 submitters: Uncertain significance (2). Last evaluated 2023-12-11.

Conditions:
Neuronal ceroid lipofuscinosis 1 (CLN1). Also called: CEROID LIPOFUSCINOSIS, NEURONAL, 1, VARIABLE AGE AT ONSET; PPT1-Related Neuronal Ceroid-Lipofuscinosis. Identifiers: Orphanet 228329, MedGen C1850451, MONDO:0009744, OMIM 256730.

Allele frequency attached by ClinVar (database versions not stated): gnomAD 0.00001; gnomAD exomes 0.00001; TOPMed 0.00001.
gnomAD v4.1: 13 of 1,613,954 alleles (0.00081%); highest among the groups gnomAD compares: Middle Eastern, 0.016%; no homozygotes.

Submissions (2):

Labcorp Genetics (formerly Invitae), Labcorp
Classification: Uncertain significance for Neuronal ceroid lipofuscinosis 1. Last evaluated: 2023-12-11. Review status: criteria provided, single submitter. Criteria: Invitae Variant Classification Sherloc (09022015). Collection method: clinical testing. Allele origin: germline.
Comment: This sequence change replaces alanine, which is neutral and non-polar, with glycine, which is neutral and non-polar, at codon 13 of the PPT1 protein (p.Ala13Gly). This variant is present in population databases (no rsID available, gnomAD 0.006%). This variant has not been reported in the literature in individuals affected with PPT1-related conditions. ClinVar contains an entry for this variant (Variation ID: 297248). Advanced modeling of protein sequence and biophysical properties (such as structural, functional, and spatial information, amino acid conservation, physicochemical variation, residue mobility, and thermodynamic stability) performed at Invitae indicates that this missense variant is not expected to disrupt PPT1 protein function with a negative predictive value of 95%. In summary, the available evidence is currently insufficient to determine the role of this variant in disease. Therefore, it has been classified as a Variant of Uncertain Significance.

Illumina Laboratory Services, Illumina
Classification: Uncertain significance for Neuronal ceroid lipofuscinosis 1. Last evaluated: 2018-01-13. Review status: criteria provided, single submitter. Criteria: ICSL Variant Classification Criteria 13 December 2019. Collection method: clinical testing. Allele origin: germline.